The following is an entry in ClinVar:

ClinVar aggregate classification (germline): Pathogenic. Review status: criteria provided, multiple submitters, no conflicts (2 of 4 stars). 3 submissions from 3 submitters: Pathogenic (3). Last evaluated 2025-07-23.

Conditions:
Cardiovascular phenotype. Identifiers: MedGen CN230736.
Arrhythmogenic cardiomyopathy with wooly hair and keratoderma. Also called: Dilated cardiomyopathy with woolly hair and keratoderma; Arrhythmogenic cardiomyopathy with woolly hair and keratoderma; PALMOPLANTAR KERATODERMA WITH LEFT VENTRICULAR CARDIOMYOPATHY AND WOOLLY HAIR; Carvajal syndrome. Identifiers: Orphanet 65282, MedGen C1854063, MONDO:0011581, OMIM 605676.
Arrhythmogenic right ventricular dysplasia 8 (ARVD8). Also called: Arrhythmogenic Right Ventricular Dysplasia/Cardiomyopathy 8; ARRHYTHMOGENIC RIGHT VENTRICULAR DYSPLASIA, FAMILIAL, 8; ARRHYTHMOGENIC RIGHT VENTRICULAR CARDIOMYOPATHY 8. Identifiers: MedGen C1843896, MONDO:0011831, OMIM 607450.

Submissions (3):

GeneDx
Classification: Pathogenic. Last evaluated: 2025-07-23. Review status: criteria provided, single submitter. Criteria: GeneDx Variant Classification Process June 2021. Collection method: clinical testing. Allele origin: germline.
Comment: Nonsense variant predicted to result in protein truncation in a gene for which loss-of-function is a known mechanism of disease; Not observed at significant frequency in large population cohorts (gnomAD); Has not been previously published as pathogenic or benign to our knowledge

Labcorp Genetics (formerly Invitae), Labcorp
Classification: Pathogenic for Arrhythmogenic cardiomyopathy with wooly hair and keratoderma; Arrhythmogenic right ventricular dysplasia 8. Last evaluated: 2024-08-10. Review status: criteria provided, single submitter. Criteria: Invitae Variant Classification Sherloc (09022015). Collection method: clinical testing. Allele origin: germline.
Comment: This sequence change creates a premature translational stop signal (p.Gln2085*) in the DSP gene. While this is not anticipated to result in nonsense mediated decay, it is expected to disrupt the last 787 amino acid(s) of the DSP protein. This variant is not present in population databases (gnomAD no frequency). This variant has not been reported in the literature in individuals affected with DSP-related conditions. ClinVar contains an entry for this variant (Variation ID: 1706141). This variant disrupts a region of the DSP protein in which other variant(s) (p.Glu2728Glyfs*11) have been determined to be pathogenic (Invitae). This suggests that this is a clinically significant region of the protein, and that variants that disrupt it are likely to be disease-causing. For these reasons, this variant has been classified as Pathogenic.

Ambry Genetics
Classification: Pathogenic for Cardiovascular phenotype. Last evaluated: 2023-08-22. Review status: criteria provided, single submitter. Criteria: Ambry Variant Classification Scheme 2023. Collection method: clinical testing. Allele origin: germline.
Comment: The p.Q2085* pathogenic mutation (also known as c.6253C>T), located in coding exon 24 of the DSP gene, results from a C to T substitution at nucleotide position 6253. This changes the amino acid from a glutamine to a stop codon within coding exon 24. This alteration occurs at the 3' terminus of the DSP gene, is not expected to trigger nonsense-mediated mRNA decay, and only impacts the last 27% of the protein. However, premature stop codons are typically deleterious in nature and a significant portion of the protein is affected (Ambry internal data). Alterations in DSP that result in haploinsufficiency or protein truncation have been reported in patients with arrhythmogenic right ventricular cardiomyopathy (ARVC) and dilated cardiomyopathy (DCM) (Fressart V et al. Europace. 2010;12(6):861-8; Elliott P et al. Circ Cardiovasc Genet. 2010;3(4):314-22; Quarta G et al. Circulation. 2011;123(23):2701-9; Garcia-Pavia P et al. Heart. 2011;97(21):1744-52; Rasmussen TB et al. Clin Genet. 2013;84(1):20-30; Pugh TJ et al. Genet Med. 2014;16(8):601-8). This variant is considered to be rare based on population cohorts in the Genome Aggregation Database (gnomAD). Based on the supporting evidence, this alteration is interpreted as a disease-causing mutation.

NM_004415.4(DSP):c.6253C>T (p.Gln2085Ter)

Gene: DSP (desmoplakin; plus strand). Cytogenetic location: 6p24.3.
Variant type: single nucleotide variant.
Coding change: c.6253C>T on transcript NM_004415.4 (MANE Select); coding-DNA position 6253, C replaced by T.
Protein change: p.Gln2085Ter; replaces glutamine 2085 with a stop codon.
Molecular consequence: nonsense.
Genome position (GRCh38, 1-based): chr6:7,583,515, C>T. VCF-style: chr6-7583515-C-T. GRCh37 (hg19) VCF-style: chr6-7583748-C-T.
Other names: c.4456C>T, p.Gln1486Ter (NM_001008844.3); c.4924C>T, p.Gln1642Ter (NM_001319034.2); short protein forms Q1486*, Q1642*, Q2085*.
Identifiers: ClinVar variation 1706141 (VCV001706141.10), dbSNP rs2533940144, ClinGen allele CA362690404.